The following is an entry in ClinVar:

ClinVar aggregate classification (germline): Uncertain significance. Review status: criteria provided, multiple submitters, no conflicts (2 of 4 stars). 2 submissions from 2 submitters: Uncertain significance (2). Last evaluated 2023-11-06.

Conditions:
Inborn genetic diseases. Identifiers: MedGen C0950123, MeSH D030342.

Allele frequency attached by ClinVar (database versions not stated): ExAC 0.00004; TOPMed 0.00005; gnomAD 0.00007; ESP Exome Variant Server 0.00008; 1000 Genomes Project 30x 0.00016; 1000 Genomes Project 0.00020.
gnomAD v4.1: 176 of 1,560,698 alleles (0.011%); highest among the groups gnomAD compares: Non-Finnish European, 0.015%; no homozygotes.

Submissions (2):

Ambry Genetics
Classification: Uncertain significance for Inborn genetic diseases. Last evaluated: 2023-11-06. Review status: criteria provided, single submitter. Criteria: Ambry Variant Classification Scheme 2023. Collection method: clinical testing. Allele origin: germline.

Labcorp Genetics (formerly Invitae), Labcorp
Classification: Uncertain significance. Last evaluated: 2022-05-12. Review status: criteria provided, single submitter. Criteria: Invitae Variant Classification Sherloc (09022015). Collection method: clinical testing. Allele origin: germline.
Comment: This sequence change replaces glutamic acid, which is acidic and polar, with aspartic acid, which is acidic and polar, at codon 433 of the APC2 protein (p.Glu433Asp). This variant is present in population databases (rs374792492, gnomAD 0.02%). This variant has not been reported in the literature in individuals affected with APC2-related conditions. Algorithms developed to predict the effect of missense changes on protein structure and function are either unavailable or do not agree on the potential impact of this missense change (SIFT: "Tolerated"; PolyPhen-2: "Probably Damaging"; Align-GVGD: "Class C0"). In summary, the available evidence is currently insufficient to determine the role of this variant in disease. Therefore, it has been classified as a Variant of Uncertain Significance.

NM_005883.3(APC2):c.1299G>C (p.Glu433Asp)

Gene: APC2 (APC regulator of WNT signaling pathway 2; plus strand). Cytogenetic location: 19p13.3.
Variant type: single nucleotide variant.
Coding change: c.1299G>C on transcript NM_005883.3 (MANE Select); coding-DNA position 1299, G replaced by C.
Protein change: p.Glu433Asp; replaces glutamic acid 433 with aspartic acid.
Molecular consequence: missense variant.
Genome position (GRCh38, 1-based): chr19:1,458,056, G>C. VCF-style: chr19-1458056-G-C. GRCh37 (hg19) VCF-style: chr19-1458055-G-C.
Other names: c.1296G>C, p.Glu432Asp (NM_001351273.1); c.1299G>C (NM_005883.2); short protein forms E432D, E433D.
Identifiers: ClinVar variation 2175250 (VCV002175250.2), dbSNP rs374792492, ClinGen allele CA9045010.